The following is an entry in ClinVar:

ClinVar aggregate classification (germline): Uncertain significance (1 of 4 stars; one submission).

Submission:

GeneDx
Classification: Uncertain significance. Last evaluated: 2024-06-17. Review status: criteria provided, single submitter. Criteria: GeneDx Variant Classification Process June 2021. Collection method: clinical testing. Allele origin: germline. Affected: yes.
Comment: Not observed at significant frequency in large population cohorts (gnomAD); In silico analysis indicates that this missense variant does not alter protein structure/function; Has not been previously published as pathogenic or benign to our knowledge

NM_022893.4(BCL11A):c.529C>G (p.Gln177Glu)

Gene: BCL11A (BCL11 transcription factor A; minus strand). Cytogenetic location: 2p16.1.
Variant type: single nucleotide variant.
Coding change: c.529C>G on transcript NM_022893.4 (MANE Select); coding-DNA position 529, C replaced by G.
Protein change: p.Gln177Glu; replaces glutamine 177 with glutamic acid.
Molecular consequence: missense variant. On other transcripts: non-coding transcript variant (1).
Genome position (GRCh38, 1-based): chr2:60,462,383, G>C on the plus strand (C>G on the coding strand, the complement: BCL11A is on the minus strand). VCF-style: chr2-60462383-G-C. GRCh37 (hg19) VCF-style: chr2-60689518-G-C.
Other names: c.373C>G, p.Gln125Glu (NM_001405729.1, NM_001405734.1, NM_001405735.1 and 6 more transcripts); c.529C>G, p.Gln177Glu (NM_001405730.1, NM_001405732.1, NM_018014.4 and 4 more transcripts); c.73C>G, p.Gln25Glu (NM_001405731.1, NM_001405725.1, NM_001405726.1 and 2 more transcripts); c.427C>G, p.Gln143Glu (NM_001405733.1, NM_001363864.1, NM_001365609.1 and 3 more transcripts); c.271C>G, p.Gln91Glu (NM_001405736.1, NM_001405717.1, NM_001405718.1 and 1 more transcripts); c.196C>G, p.Gln66Glu (NM_001405720.1, NM_001405721.1); short protein forms Q125E, Q143E, Q177E, Q25E, Q66E, Q91E.
Identifiers: ClinVar variation 3391648 (VCV003391648.1).
Genomic context (GRCh38, chr2:60,462,383, plus strand): 5'-TTCTTAATCCATGAGTGTTCTGTGCGTGTTGCAAGAGAAACCATGCACTGGTGAATGGCT[G>C]TTTGCAAGTTGTACATGTGTAGCTGCTGGGCTCATCTTTACCTGCAAAATAATACAACAC-3'
Protein context (NP_075044.2, residues 167-187): PSSYTCTTCK[Gln177Glu]PFTSAWFLLQ